The following is an entry in ClinVar:

ClinVar aggregate classification (germline): Uncertain significance. Review status: criteria provided, multiple submitters, no conflicts (2 of 4 stars). 2 submissions from 2 submitters: Uncertain significance (2). Last evaluated 2025-03-17.

Allele frequency attached by ClinVar (database versions not stated): TOPMed below 0.00001; gnomAD exomes 0.00001.
gnomAD v4.1: 8 of 1,592,058 alleles (0.0005%); highest among the groups gnomAD compares: Non-Finnish European, 0.00068%; no homozygotes.

Submissions (2):

Labcorp Genetics (formerly Invitae), Labcorp
Classification: Uncertain significance. Last evaluated: 2025-03-17. Review status: criteria provided, single submitter. Criteria: Invitae Variant Classification Sherloc (09022015). Collection method: clinical testing. Allele origin: germline.
Comment: This sequence change falls in intron 7 of the CA4 gene. It does not directly change the encoded amino acid sequence of the CA4 protein. This variant is not present in population databases (gnomAD no frequency). This variant has not been reported in the literature in individuals affected with CA4-related conditions. ClinVar contains an entry for this variant (Variation ID: 1430249). Algorithms developed to predict the effect of sequence changes on RNA splicing suggest that this variant may disrupt the consensus splice site. In summary, the available evidence is currently insufficient to determine the role of this variant in disease. Therefore, it has been classified as a Variant of Uncertain Significance.

Blueprint Genetics
Classification: Uncertain significance. Last evaluated: 2020-01-27. Review status: criteria provided, single submitter. Criteria: ACMG Guidelines, 2015. Collection method: clinical testing. Allele origin: germline.

NM_000717.5(CA4):c.745-9C>G

Gene: CA4 (carbonic anhydrase 4; plus strand). Cytogenetic location: 17q23.1.
Variant type: single nucleotide variant.
Coding change: c.745-9C>G on transcript NM_000717.5 (MANE Select); 9 bases into the intron before coding-DNA position 745, C replaced by G.
Molecular consequence: intron variant.
Genome position (GRCh38, 1-based): chr17:60,159,221, C>G. VCF-style: chr17-60159221-C-G. GRCh37 (hg19) VCF-style: chr17-58236582-C-G.
Identifiers: ClinVar variation 1430249 (VCV001430249.7), dbSNP rs767546771, ClinGen allele CA773655491.